The following is an entry in ClinVar:

NM_001130009.3(GEN1):c.2293A>T (p.Thr765Ser)

Gene: GEN1 (GEN1 structure-specific endonuclease; plus strand). Cytogenetic location: 2p24.2.
Variant type: single nucleotide variant.
Coding change: c.2293A>T on transcript NM_001130009.3 (MANE Select); coding-DNA position 2293, A replaced by T.
Protein change: p.Thr765Ser; replaces threonine 765 with serine.
Molecular consequence: missense variant.
Genome position (GRCh38, 1-based): chr2:17,781,505, A>T. VCF-style: chr2-17781505-A-T. GRCh37 (hg19) VCF-style: chr2-17962772-A-T.
Other names: c.2293A>T, p.Thr765Ser (NM_182625.5); c.2293A>T (NM_001130009.1); short protein forms T765S.
Identifiers: ClinVar variation 850307 (VCV000850307.9), dbSNP rs557705019, ClinGen allele CA1540933.

ClinVar aggregate classification (germline): Uncertain significance. Review status: criteria provided, multiple submitters, no conflicts (2 of 4 stars). 2 submissions from 2 submitters: Uncertain significance (2). Last evaluated 2025-11-28.

Allele frequency attached by ClinVar (database versions not stated): ExAC 0.00009; gnomAD 0.00009; gnomAD exomes 0.00009; TOPMed 0.00009; 1000 Genomes Project 0.00020; 1000 Genomes Project 30x 0.00031.
gnomAD v4.1: 143 of 1,613,694 alleles (0.0089%); highest among the groups gnomAD compares: Middle Eastern, 0.033%; no homozygotes.

Submissions (2):

Labcorp Genetics (formerly Invitae), Labcorp
Classification: Uncertain significance. Last evaluated: 2025-11-28. Review status: criteria provided, single submitter. Criteria: Invitae Variant Classification Sherloc (09022015). Collection method: clinical testing. Allele origin: germline.
Comment: This sequence change replaces threonine, which is neutral and polar, with serine, which is neutral and polar, at codon 765 of the GEN1 protein (p.Thr765Ser). This variant is present in population databases (rs557705019, gnomAD 0.04%). This variant has not been reported in the literature in individuals affected with GEN1-related conditions. ClinVar contains an entry for this variant (Variation ID: 850307). An algorithm developed to predict the effect of missense changes on protein structure and function (PolyPhen-2) suggests that this variant is likely to be tolerated. In summary, the available evidence is currently insufficient to determine the role of this variant in disease. Therefore, it has been classified as a Variant of Uncertain Significance.

Ambry Genetics
Classification: Uncertain significance. Last evaluated: 2024-11-21. Review status: criteria provided, single submitter. Criteria: Ambry Variant Classification Scheme 2023. Collection method: clinical testing. Allele origin: germline.
Comment: The p.T765S variant (also known as c.2293A>T), located in coding exon 13 of the GEN1 gene, results from an A to T substitution at nucleotide position 2293. The threonine at codon 765 is replaced by serine, an amino acid with similar properties. This amino acid position is conserved. In addition, this alteration is predicted to be tolerated by in silico analysis. Based on the available evidence, the clinical significance of this variant remains unclear.